The following is an entry in ClinVar:

NM_005475.3(SH2B3):c.1508C>T (p.Ser503Phe)

Gene: SH2B3 (SH2B adaptor protein 3; plus strand). Cytogenetic location: 12q24.12.
Variant type: single nucleotide variant.
Coding change: c.1508C>T on transcript NM_005475.3 (MANE Select); coding-DNA position 1508, C replaced by T.
Protein change: p.Ser503Phe; replaces serine 503 with phenylalanine.
Molecular consequence: missense variant.
Genome position (GRCh38, 1-based): chr12:111,448,082, C>T. VCF-style: chr12-111448082-C-T. GRCh37 (hg19) VCF-style: chr12-111885886-C-T.
Other names: c.902C>T, p.Ser301Phe (NM_001291424.1); short protein forms S503F, S301F.
Identifiers: ClinVar variation 3794990 (VCV003794990.1).
Genomic context (GRCh38, chr12:111,448,082, plus strand): 5'-ACTGGGATTCAGAGTCCCTTCCTCACTGGGGTTCAGAGTTGGGCCTTCCCCACCTTAGTT[C>T]TTCTGGCTGTCCCCGGGGGCTCAGCCCAGAGGGTCTCCCAGGGCGATCCTCACCCCCCGA-3'
Protein context (NP_005466.1, residues 493-513): GSELGLPHLS[Ser503Phe]SGCPRGLSPE

ClinVar aggregate classification (germline): Uncertain significance (1 of 4 stars; one submission).

Conditions:
Inborn genetic diseases. Identifiers: MedGen C0950123, MeSH D030342.

Submission:

Ambry Genetics
Classification: Uncertain significance for Inborn genetic diseases. Last evaluated: 2024-12-13. Review status: criteria provided, single submitter. Criteria: Ambry Variant Classification Scheme 2023. Collection method: clinical testing. Allele origin: germline.
Comment: The p.S503F variant (also known as c.1508C>T), located in coding exon 7 of the SH2B3 gene, results from a C to T substitution at nucleotide position 1508. The serine at codon 503 is replaced by phenylalanine, an amino acid with highly dissimilar properties. This amino acid position is conserved. In addition, this alteration is predicted to be tolerated by in silico analysis. Based on the available evidence, the clinical significance of this variant remains unclear.